The following is an entry in ClinVar:

ClinVar aggregate classification (germline): Uncertain significance (1 of 4 stars; one submission).

Conditions:
Cardiovascular phenotype. Identifiers: MedGen CN230736.

Submission:

Ambry Genetics
Classification: Uncertain significance for Cardiovascular phenotype. Last evaluated: 2022-02-08. Review status: criteria provided, single submitter. Criteria: Ambry Variant Classification Scheme 2023. Collection method: clinical testing. Allele origin: germline.
Comment: The p.V94I variant (also known as c.280G>A), located in coding exon 1 of the DOLK gene, results from a G to A substitution at nucleotide position 280. The valine at codon 94 is replaced by isoleucine, an amino acid with highly similar properties. This amino acid position is conserved. In addition, this alteration is predicted to be tolerated by in silico analysis. Since supporting evidence is limited at this time, the clinical significance of this alteration remains unclear.

NM_014908.4(DOLK):c.280G>A (p.Val94Ile)

Gene: DOLK (dolichol kinase; minus strand). Cytogenetic location: 9q34.11.
Variant type: single nucleotide variant.
Coding change: c.280G>A on transcript NM_014908.4 (MANE Select); coding-DNA position 280, G replaced by A.
Protein change: p.Val94Ile; replaces valine 94 with isoleucine.
Molecular consequence: missense variant.
Genome position (GRCh38, 1-based): chr9:128,947,024, C>T on the plus strand (G>A on the coding strand, the complement: DOLK is on the minus strand). VCF-style: chr9-128947024-C-T. GRCh37 (hg19) VCF-style: chr9-131709303-C-T.
Other names: short protein forms V94I.
Identifiers: ClinVar variation 1796318 (VCV001796318.2), dbSNP rs2492005520, ClinGen allele CA375127050.